The following is an entry in ClinVar:

NM_005228.5(EGFR):c.3622A>G (p.Ile1208Val)

Gene: EGFR (epidermal growth factor receptor; plus strand). Cytogenetic location: 7p11.2.
Variant type: single nucleotide variant.
Coding change: c.3622A>G on transcript NM_005228.5 (MANE Select); coding-DNA position 3622, A replaced by G.
Protein change: p.Ile1208Val; replaces isoleucine 1208 with valine.
Molecular consequence: missense variant.
Genome position (GRCh38, 1-based): chr7:55,205,606, A>G. VCF-style: chr7-55205606-A-G. GRCh37 (hg19) VCF-style: chr7-55273299-A-G.
Other names: c.3487A>G, p.Ile1163Val (NM_001346899.2); c.3463A>G, p.Ile1155Val (NM_001346900.2); c.2821A>G, p.Ile941Val (NM_001346941.2); short protein forms I1208V, I1163V, I1155V, I941V.
Identifiers: ClinVar variation 3647314 (VCV003647314.2).

ClinVar aggregate classification (germline): Uncertain significance (1 of 4 stars; one submission).

Conditions:
EGFR-related lung cancer (EGFR). Identifiers: MedGen CN130014.

Submission:

Labcorp Genetics (formerly Invitae), Labcorp
Classification: Uncertain significance for EGFR-related lung cancer. Last evaluated: 2024-03-22. Review status: criteria provided, single submitter. Criteria: Invitae Variant Classification Sherloc (09022015). Collection method: clinical testing. Allele origin: germline.
Comment: This sequence change replaces isoleucine, which is neutral and non-polar, with valine, which is neutral and non-polar, at codon 1208 of the EGFR protein (p.Ile1208Val). This variant is not present in population databases (gnomAD no frequency). This variant has not been reported in the literature in individuals affected with EGFR-related conditions. An algorithm developed to predict the effect of missense changes on protein structure and function (PolyPhen-2) suggests that this variant is likely to be tolerated. In summary, the available evidence is currently insufficient to determine the role of this variant in disease. Therefore, it has been classified as a Variant of Uncertain Significance.